The following is an entry in ClinVar:

ClinVar aggregate classification (germline): Uncertain significance. Review status: criteria provided, multiple submitters, no conflicts (2 of 4 stars). 2 submissions from 2 submitters: Uncertain significance (2). Last evaluated 2025-06-18.

Conditions:
Inborn genetic diseases. Identifiers: MedGen C0950123, MeSH D030342.
Acute myeloid leukemia (AML). Also called: Acute myeloid leukemia, adult; AML adult; Acute non-lymphocytic leukemia; Acute granulocytic leukemia; Leukemia, acute myeloid, somatic; Leukemia, acute myelogenous, somatic. Identifiers: Orphanet 519, MedGen C0023467, MeSH D015470, MONDO:0018874, OMIM 601626, HP:0004808. Disease mechanism: Constitutively activated FLT3.

Allele frequency attached by ClinVar (database versions not stated): TOPMed below 0.00001; gnomAD 0.00001; gnomAD exomes 0.00001.

Submissions (2):

Ambry Genetics
Classification: Uncertain significance for Inborn genetic diseases. Last evaluated: 2025-06-18. Review status: criteria provided, single submitter. Criteria: Ambry Variant Classification Scheme 2023. Collection method: clinical testing. Allele origin: germline.
Comment: The p.P233R variant (also known as c.698C>G), located in coding exon 1 of the CEBPA gene, results from a C to G substitution at nucleotide position 698. The proline at codon 233 is replaced by arginine, an amino acid with dissimilar properties. This amino acid position is highly conserved in available vertebrate species. In addition, this alteration is predicted to be tolerated by in silico analysis. Based on the available evidence, the clinical significance of this variant remains unclear.

Labcorp Genetics (formerly Invitae), Labcorp
Classification: Uncertain significance for Acute myeloid leukemia. Last evaluated: 2023-04-03. Review status: criteria provided, single submitter. Criteria: Invitae Variant Classification Sherloc (09022015). Collection method: clinical testing. Allele origin: germline.
Comment: In summary, the available evidence is currently insufficient to determine the role of this variant in disease. Therefore, it has been classified as a Variant of Uncertain Significance. Advanced modeling of protein sequence and biophysical properties (such as structural, functional, and spatial information, amino acid conservation, physicochemical variation, residue mobility, and thermodynamic stability) performed at Invitae indicates that this missense variant is expected to disrupt CEBPA protein function. This variant has not been reported in the literature in individuals affected with CEBPA-related conditions. This variant is not present in population databases (gnomAD no frequency). This sequence change replaces proline, which is neutral and non-polar, with arginine, which is basic and polar, at codon 233 of the CEBPA protein (p.Pro233Arg).

NM_004364.5(CEBPA):c.698C>G (p.Pro233Arg)

Gene: CEBPA (CCAAT enhancer binding protein alpha; minus strand). Cytogenetic location: 19q13.11.
Variant type: single nucleotide variant.
Coding change: c.698C>G on transcript NM_004364.5 (MANE Select); coding-DNA position 698, C replaced by G.
Protein change: p.Pro233Arg; replaces proline 233 with arginine.
Molecular consequence: missense variant.
Genome position (GRCh38, 1-based): chr19:33,301,717, G>C on the plus strand (C>G on the coding strand, the complement: CEBPA is on the minus strand). VCF-style: chr19-33301717-G-C. GRCh37 (hg19) VCF-style: chr19-33792623-G-C.
Other names: c.341C>G, p.Pro114Arg (NM_001285829.2); c.803C>G, p.Pro268Arg (NM_001287424.2); c.656C>G, p.Pro219Arg (NM_001287435.2); short protein forms P233R, P219R, P114R, P268R.
Identifiers: ClinVar variation 2831747 (VCV002831747.4), dbSNP rs1352573347, ClinGen allele CA405274394.